The following is an entry in ClinVar:

ClinVar aggregate classification (germline): Uncertain significance. Review status: criteria provided, multiple submitters, no conflicts (2 of 4 stars). 4 submissions from 4 submitters: Uncertain significance (4). Last evaluated 2026-02-11.

Conditions:
Hereditary diffuse gastric adenocarcinoma (HDGC). Also called: DIFFUSE GASTRIC AND LOBULAR BREAST CANCER SYNDROME. Identifiers: Orphanet 26106, MedGen C1708349, MONDO:0007648, OMIM 137215.
Hereditary cancer-predisposing syndrome. Also called: Neoplastic Syndromes, Hereditary; Hereditary Cancer Syndrome; Tumor predisposition; Hereditary neoplastic syndrome. Identifiers: Orphanet 140162, MedGen C0027672, MeSH D009386, MONDO:0015356.

Allele frequency attached by ClinVar (database versions not stated): gnomAD exomes below 0.00001.
gnomAD v4.1: 1 of 1,613,974 alleles (0.000062%); highest among the groups gnomAD compares: Non-Finnish European, 0.000085%; no homozygotes.

Submissions (4):

St. Jude Molecular Pathology, St. Jude Children's Research Hospital
Classification: Uncertain significance for Hereditary diffuse gastric adenocarcinoma. Last evaluated: 2026-02-11. Review status: criteria provided, single submitter. Criteria: St. Jude Assertion Criteria 2020. Collection method: clinical testing. Allele origin: germline.
Comment: The CDH1 c.2410C>T p.(Pro804Ser) missense change is absent in gnomAD v2.1.1. The in silico tool REVEL is inconclusive about a pathogenic or benign effect of this variant on protein function, and to our knowledge functional studies have not been performed. To our knowledge, this variant has not been reported in the literature in individuals with diffuse gastric and lobular breast cancer syndrome. In summary, the evidence currently available is insufficient to determine the clinical significance of this variant. It has therefore been classified as of uncertain significance.

Ambry Genetics
Classification: Uncertain significance for Hereditary cancer-predisposing syndrome. Last evaluated: 2025-04-17. Review status: criteria provided, single submitter. Criteria: Ambry Variant Classification Scheme 2023. Collection method: clinical testing. Allele origin: germline.
Comment: The p.P804S variant (also known as c.2410C>T), located in coding exon 15 of the CDH1 gene, results from a C to T substitution at nucleotide position 2410. The proline at codon 804 is replaced by serine, an amino acid with similar properties. This amino acid position is highly conserved in available vertebrate species. In addition, the in silico prediction for this alteration is inconclusive. Based on the available evidence, the clinical significance of this variant remains unclear.

Quest Diagnostics Nichols Institute San Juan Capistrano
Classification: Uncertain significance. Last evaluated: 2025-01-09. Review status: criteria provided, single submitter. Criteria: Quest Diagnostics criteria. Collection method: clinical testing. Allele origin: unknown.
Comment: The CDH1 c.2410C>T (p.Pro804Ser) variant has been reported in the published literature in individuals with melanoma (PMID: 35988589 (2023)), breast cancer (PMID: 38153744 (2023)), and multiple myeloma (PMID: 35768438 (2022)). This variant has not been reported in large, multi-ethnic general populations (Genome Aggregation Database). Analysis of this variant using bioinformatics tools for the prediction of the effect of amino acid changes on protein structure and function yielded predictions that this variant is damaging. Based on the available information, we are unable to determine the clinical significance of this variant.

GeneDx
Classification: Uncertain significance. Last evaluated: 2021-03-29. Review status: criteria provided, single submitter. Criteria: GeneDx Variant Classification Process June 2021. Collection method: clinical testing. Allele origin: germline. Affected: yes.
Comment: Not observed in large population cohorts (Lek et al., 2016); In silico analysis supports that this missense variant has a deleterious effect on protein structure/function; Has not been previously published as pathogenic or benign to our knowledge

Literature cited by the submitters: PubMed 35988589 (cited by Quest Diagnostics Nichols Institute San Juan Capistrano); PubMed 38153744 (cited by Quest Diagnostics Nichols Institute San Juan Capistrano); PubMed 35768438 (cited by Quest Diagnostics Nichols Institute San Juan Capistrano).

NM_004360.5(CDH1):c.2410C>T (p.Pro804Ser)

Gene: CDH1 (cadherin 1; plus strand). Cytogenetic location: 16q22.1.
Variant type: single nucleotide variant.
Coding change: c.2410C>T on transcript NM_004360.5 (MANE Select); coding-DNA position 2410, C replaced by T.
Protein change: p.Pro804Ser; replaces proline 804 with serine.
Molecular consequence: missense variant.
Genome position (GRCh38, 1-based): chr16:68,829,768, C>T. VCF-style: chr16-68829768-C-T. GRCh37 (hg19) VCF-style: chr16-68863671-C-T.
Other names: c.2227C>T, p.Pro743Ser (NM_001317184.2); c.862C>T, p.Pro288Ser (NM_001317185.2); c.445C>T, p.Pro149Ser (NM_001317186.2); c.2410C>T (NM_004360.4); short protein forms P149S, P288S, P743S, P804S.
Identifiers: ClinVar variation 1318691 (VCV001318691.7), dbSNP rs1596972818, ClinGen allele CA396471256.